The following is an entry in ClinVar:

ClinVar aggregate classification (germline): Benign/Likely benign. Review status: criteria provided, multiple submitters, no conflicts (2 of 4 stars). 3 submissions from 3 submitters: Benign (2); Likely benign (1). Last evaluated 2026-01-25.

Conditions:
SCN11A-related disorder. Also called: SCN11A-related condition.
Inborn genetic diseases. Identifiers: MedGen C0950123, MeSH D030342.
Hereditary sensory and autonomic neuropathy type 7. Also called: HSAN VII; Neuropathy, hereditary sensory and autonomic, type VII. Identifiers: Orphanet 391397, MedGen C3809882, MONDO:0014244, OMIM 615548.
Familial episodic pain syndrome with predominantly lower limb involvement. Also called: Episodic pain syndrome, familial, 3. Identifiers: Orphanet 391384, Orphanet 391392, MedGen C3809899, MONDO:0014247, OMIM 615552.

Allele frequency attached by ClinVar (database versions not stated): gnomAD exomes 0.00094 and 0.00192; ExAC 0.00221; 1000 Genomes Project 0.00300; 1000 Genomes Project 30x 0.00312; gnomAD 0.00001 and 0.00048; TOPMed 0.00001.
gnomAD v4.1: 1,430 of 1,614,118 alleles (0.089%); highest among the groups gnomAD compares: South Asian, 1.5%; 23 homozygotes.

Submissions (3):

Labcorp Genetics (formerly Invitae), Labcorp
Classification: Benign for Familial episodic pain syndrome with predominantly lower limb involvement; Hereditary sensory and autonomic neuropathy type 7. Last evaluated: 2026-01-25. Review status: criteria provided, single submitter. Criteria: Invitae Variant Classification Sherloc (09022015). Collection method: clinical testing. Allele origin: germline.

PreventionGenetics, part of Exact Sciences
Classification: Benign for SCN11A-related condition. Last evaluated: 2025-07-02. Review status: criteria provided, single submitter. Criteria: ACMG Guidelines, 2015. Collection method: clinical testing. Allele origin: germline.
Comment: This variant is classified as benign based on ACMG/AMP sequence variant interpretation guidelines (Richards et al. 2015 PMID: 25741868, with internal and published modifications).

Ambry Genetics
Classification: Likely benign for Inborn genetic diseases. Last evaluated: 2019-07-11. Review status: criteria provided, single submitter. Criteria: Ambry Variant Classification Scheme 2023. Collection method: clinical testing. Allele origin: germline.

NM_001349253.2(SCN11A):c.1575T>C (p.Ala525=)

Gene: SCN11A (sodium voltage-gated channel alpha subunit 11; minus strand). Cytogenetic location: 3p22.2.
Variant type: single nucleotide variant.
Coding change: c.1575T>C on transcript NM_001349253.2 (MANE Select); coding-DNA position 1575, T replaced by C.
Protein change: p.Ala525=; no amino-acid change (alanine 525 retained).
Molecular consequence: synonymous variant.
Genome position (GRCh38, 1-based): chr3:38,905,220, A>G on the plus strand (T>C on the coding strand, the complement: SCN11A is on the minus strand). VCF-style: chr3-38905220-A-G. GRCh37 (hg19) VCF-style: chr3-38946711-A-G.
Other names: c.1575T>C, p.Ala525= (NM_014139.3).
Identifiers: ClinVar variation 474690 (VCV000474690.14), dbSNP rs201554884, ClinGen allele CA2322268.